The following is an entry in ClinVar:

ClinVar aggregate classification (germline): Uncertain significance (1 of 4 stars; one submission).

Conditions:
Schizophrenia (SCZD). Identifiers: MedGen C0036341, MeSH D012559, MONDO:0005090, OMIM 181500, HP:0100753.

Submission:

Juno Genomics, Hangzhou Juno Genomics, Inc
Classification: Uncertain significance for Schizophrenia. Review status: criteria provided, single submitter. Criteria: ACMG Guidelines, 2015. Collection method: clinical testing. Allele origin: germline.
Comment: Absent from controls (or at extremely low frequency if recessive) in Genome Aggregation Database.

NM_133625.6(SYN2):c.137C>A (p.Ser46Ter)

Gene: SYN2 (synapsin II; plus strand). Cytogenetic location: 3p25.2.
Variant type: single nucleotide variant.
Coding change: c.137C>A on transcript NM_133625.6 (MANE Select); coding-DNA position 137, C replaced by A.
Protein change: p.Ser46Ter; replaces serine 46 with a stop codon.
Molecular consequence: nonsense.
Genome position (GRCh38, 1-based): chr3:12,004,688, C>A. VCF-style: chr3-12004688-C-A. GRCh37 (hg19) VCF-style: chr3-12046162-C-A.
Other names: c.137C>A, p.Ser46Ter (NM_003178.6); short protein forms S46*.
Identifiers: ClinVar variation 5006523 (VCV005006523.2).